The following is an entry in ClinVar:

NM_022168.4(IFIH1):c.1528T>C (p.Cys510Arg)

Gene: IFIH1 (interferon induced with helicase C domain 1; minus strand). Cytogenetic location: 2q24.2.
Variant type: single nucleotide variant.
Coding change: c.1528T>C on transcript NM_022168.4 (MANE Select); coding-DNA position 1528, T replaced by C.
Protein change: p.Cys510Arg; replaces cysteine 510 with arginine.
Molecular consequence: missense variant.
Genome position (GRCh38, 1-based): chr2:162,280,109, A>G on the plus strand (T>C on the coding strand, the complement: IFIH1 is on the minus strand). VCF-style: chr2-162280109-A-G. GRCh37 (hg19) VCF-style: chr2-163136619-A-G.
Other names: short protein forms C510R.
Identifiers: ClinVar variation 1376511 (VCV001376511.6), dbSNP rs1576226013, ClinGen allele CA349001197.

ClinVar aggregate classification (germline): Uncertain significance (1 of 4 stars; one submission).

Conditions:
Singleton-Merten syndrome 1 (SGMRT1). Also called: Widened medullary cavities of bone, aortic calcification, abnormal dentition, and muscular weakness; Syndrome of widened medullary cavities of the metacarpals and phalanges, aortic calcification and abnormal dentition. Identifiers: Orphanet 85191, MedGen C4225427, MONDO:0024535, OMIM 182250.
Aicardi-Goutieres syndrome 7 (AGS7). Identifiers: Orphanet 51, MedGen C3888244, MONDO:0014367, OMIM 615846.

Submission:

Labcorp Genetics (formerly Invitae), Labcorp
Classification: Uncertain significance for Aicardi-Goutieres syndrome 7; Singleton-Merten syndrome 1. Last evaluated: 2022-02-04. Review status: criteria provided, single submitter. Criteria: Invitae Variant Classification Sherloc (09022015). Collection method: clinical testing. Allele origin: germline.
Comment: In summary, the available evidence is currently insufficient to determine the role of this variant in disease. Therefore, it has been classified as a Variant of Uncertain Significance. Algorithms developed to predict the effect of missense changes on protein structure and function are either unavailable or do not agree on the potential impact of this missense change (SIFT: "Deleterious"; PolyPhen-2: "Probably Damaging"; Align-GVGD: "Class C0"). This variant has not been reported in the literature in individuals affected with IFIH1-related conditions. This variant is not present in population databases (gnomAD no frequency). This sequence change replaces cysteine, which is neutral and slightly polar, with arginine, which is basic and polar, at codon 510 of the IFIH1 protein (p.Cys510Arg).